The following is an entry in ClinVar:

ClinVar aggregate classification (germline): Uncertain significance. Review status: criteria provided, multiple submitters, no conflicts (2 of 4 stars). 2 submissions from 2 submitters: Uncertain significance (2). Last evaluated 2024-12-21.

Conditions:
Emery-Dreifuss muscular dystrophy 4, autosomal dominant (EDMD4). Also called: EMERY-DREIFUSS MUSCULAR DYSTROPHY 4 WITH VARIABLE FEATURES. Identifiers: Orphanet 261, MedGen C2751807, MONDO:0013071, OMIM 612998.
Autosomal recessive ataxia, Beauce type. Also called: ATAXIA, RECESSIVE, OF BEAUCE; SYNE1-Related Autosomal Recessive Cerebellar Ataxia; Spinocerebellar ataxia, autosomal recessive 8; SYNE1 Deficiency. Identifiers: Orphanet 88644, MedGen C1853116, MONDO:0012549, OMIM 610743.

Allele frequency attached by ClinVar (database versions not stated): gnomAD exomes below 0.00001.
gnomAD v4.1: 2 of 1,614,062 alleles (0.00012%); highest among the groups gnomAD compares: East Asian, 0.0022%; no homozygotes.

Submissions (2):

GeneDx
Classification: Uncertain significance. Last evaluated: 2024-12-21. Review status: criteria provided, single submitter. Criteria: GeneDx Variant Classification Process June 2021. Collection method: clinical testing. Allele origin: germline.
Comment: Not observed at significant frequency in large population cohorts (gnomAD); In silico analysis supports that this missense variant has a deleterious effect on protein structure/function; Has not been previously published as pathogenic or benign to our knowledge

Labcorp Genetics (formerly Invitae), Labcorp
Classification: Uncertain significance for Emery-Dreifuss muscular dystrophy 4, autosomal dominant; Autosomal recessive ataxia, Beauce type. Last evaluated: 2022-07-13. Review status: criteria provided, single submitter. Criteria: Invitae Variant Classification Sherloc (09022015). Collection method: clinical testing. Allele origin: germline.
Comment: This variant is present in population databases (no rsID available, gnomAD 0.006%). In summary, the available evidence is currently insufficient to determine the role of this variant in disease. Therefore, it has been classified as a Variant of Uncertain Significance. Algorithms developed to predict the effect of missense changes on protein structure and function are either unavailable or do not agree on the potential impact of this missense change (SIFT: "Deleterious"; PolyPhen-2: "Probably Damaging"; Align-GVGD: "Class C0"). This variant has not been reported in the literature in individuals affected with SYNE1-related conditions. This sequence change replaces glycine, which is neutral and non-polar, with arginine, which is basic and polar, at codon 217 of the SYNE1 protein (p.Gly217Arg).

NM_182961.4(SYNE1):c.628G>A (p.Gly210Arg)

Gene: SYNE1 (spectrin repeat containing nuclear envelope protein 1; minus strand). Cytogenetic location: 6q25.2.
Variant type: single nucleotide variant.
Coding change: c.628G>A on transcript NM_182961.4 (MANE Select); coding-DNA position 628, G replaced by A.
Protein change: p.Gly210Arg; replaces glycine 210 with arginine.
Molecular consequence: missense variant.
Genome position (GRCh38, 1-based): chr6:152,505,351, C>T on the plus strand (G>A on the coding strand, the complement: SYNE1 is on the minus strand). VCF-style: chr6-152505351-C-T. GRCh37 (hg19) VCF-style: chr6-152826486-C-T.
Other names: c.649G>A, p.Gly217Arg (NM_033071.5); short protein forms G217R, G210R.
Identifiers: ClinVar variation 2193579 (VCV002193579.6), dbSNP rs1298859374, ClinGen allele CA366149083.